The following is an entry in ClinVar:

NM_004370.6(COL12A1):c.647A>G (p.Asn216Ser)

Gene: COL12A1 (collagen type XII alpha 1 chain; minus strand). Cytogenetic location: 6q13.
Variant type: single nucleotide variant.
Coding change: c.647A>G on transcript NM_004370.6 (MANE Select); coding-DNA position 647, A replaced by G.
Protein change: p.Asn216Ser; replaces asparagine 216 with serine.
Molecular consequence: missense variant. On other transcripts: intron variant (1).
Genome position (GRCh38, 1-based): chr6:75,189,563, T>C on the plus strand (A>G on the coding strand, the complement: COL12A1 is on the minus strand). VCF-style: chr6-75189563-T-C. GRCh37 (hg19) VCF-style: chr6-75899279-T-C.
Other names: c.73+13157A>G (NM_080645.3); short protein forms N216S.
Identifiers: ClinVar variation 1317215 (VCV001317215.6), dbSNP rs2149475535, ClinGen allele CA364728462.

ClinVar aggregate classification (germline): Uncertain significance. Review status: criteria provided, multiple submitters, no conflicts (2 of 4 stars). 2 submissions from 2 submitters: Uncertain significance (2). Last evaluated 2024-05-29.

Conditions:
Ullrich congenital muscular dystrophy 2 (UCMD2). Identifiers: Orphanet 75840, MedGen C4225314, MONDO:0014654, OMIM 616470.
Bethlem myopathy 2 (BTHLM2). Identifiers: Orphanet 536516, Orphanet 610, MedGen C4225313, MONDO:0034022, OMIM 616471.

gnomAD v4.1: 5 of 1,612,590 alleles (0.00031%); highest among the groups gnomAD compares: Non-Finnish European, 0.00034%; no homozygotes.

Submissions (2):

Labcorp Genetics (formerly Invitae), Labcorp
Classification: Uncertain significance for Bethlem myopathy 2; Ullrich congenital muscular dystrophy 2. Last evaluated: 2024-05-29. Review status: criteria provided, single submitter. Criteria: Invitae Variant Classification Sherloc (09022015). Collection method: clinical testing. Allele origin: germline.
Comment: This sequence change replaces asparagine, which is neutral and polar, with serine, which is neutral and polar, at codon 216 of the COL12A1 protein (p.Asn216Ser). This variant is not present in population databases (gnomAD no frequency). This variant has not been reported in the literature in individuals affected with COL12A1-related conditions. ClinVar contains an entry for this variant (Variation ID: 1317215). Advanced modeling of protein sequence and biophysical properties (such as structural, functional, and spatial information, amino acid conservation, physicochemical variation, residue mobility, and thermodynamic stability) performed at Invitae indicates that this missense variant is not expected to disrupt COL12A1 protein function with a negative predictive value of 80%. In summary, the available evidence is currently insufficient to determine the role of this variant in disease. Therefore, it has been classified as a Variant of Uncertain Significance.

GeneDx
Classification: Uncertain significance. Last evaluated: 2024-04-18. Review status: criteria provided, single submitter. Criteria: GeneDx Variant Classification Process June 2021. Collection method: clinical testing. Allele origin: germline. Affected: yes.
Comment: Not observed at significant frequency in large population cohorts (gnomAD); In silico analysis indicates that this missense variant does not alter protein structure/function; Has not been previously published as pathogenic or benign to our knowledge